The following is an entry in ClinVar:

NM_021927.3(GUF1):c.1313T>C (p.Leu438Pro)

Gene: GUF1 (GTP binding elongation factor GUF1; plus strand). Cytogenetic location: 4p12.
Variant type: single nucleotide variant.
Coding change: c.1313T>C on transcript NM_021927.3 (MANE Select); coding-DNA position 1313, T replaced by C.
Protein change: p.Leu438Pro; replaces leucine 438 with proline.
Molecular consequence: missense variant.
Genome position (GRCh38, 1-based): chr4:44,689,953, T>C. VCF-style: chr4-44689953-T-C. GRCh37 (hg19) VCF-style: chr4-44691970-T-C.
Other names: c.341T>C, p.Leu114Pro (NM_001345867.2, NM_001345869.2); c.1313T>C, p.Leu438Pro (NM_001345868.2); short protein forms L114P, L438P.
Identifiers: ClinVar variation 1362560 (VCV001362560.8), dbSNP rs569246765, ClinGen allele CA2905597.

ClinVar aggregate classification (germline): Uncertain significance (1 of 4 stars; one submission).

Allele frequency attached by ClinVar (database versions not stated): ExAC 0.00022; 1000 Genomes Project 30x 0.00078; 1000 Genomes Project 0.00080; TOPMed 0.00001; gnomAD 0.00005; gnomAD exomes 0.00018.
gnomAD v4.1: 88 of 1,582,182 alleles (0.0056%); highest among the groups gnomAD compares: South Asian, 0.097%; 3 homozygotes.

Submission:

Labcorp Genetics (formerly Invitae), Labcorp
Classification: Uncertain significance. Last evaluated: 2025-09-23. Review status: criteria provided, single submitter. Criteria: Invitae Variant Classification Sherloc (09022015). Collection method: clinical testing. Allele origin: germline.
Comment: This sequence change replaces leucine, which is neutral and non-polar, with proline, which is neutral and non-polar, at codon 438 of the GUF1 protein (p.Leu438Pro). This variant is present in population databases (rs569246765, gnomAD 0.1%), and has an allele count higher than expected for a pathogenic variant. This variant has not been reported in the literature in individuals affected with GUF1-related conditions. ClinVar contains an entry for this variant (Variation ID: 1362560). Invitae Evidence Modeling of protein sequence and biophysical properties (such as structural, functional, and spatial information, amino acid conservation, physicochemical variation, residue mobility, and thermodynamic stability) indicates that this missense variant is not expected to disrupt GUF1 protein function with a negative predictive value of 80%. In summary, the available evidence is currently insufficient to determine the role of this variant in disease. Therefore, it has been classified as a Variant of Uncertain Significance.